The following is an entry in ClinVar:

ClinVar aggregate classification (germline): Uncertain significance. Review status: criteria provided, multiple submitters, no conflicts (2 of 4 stars). 2 submissions from 2 submitters: Uncertain significance (2). Last evaluated 2024-01-30.

Conditions:
Nemaline myopathy 2 (NEM2). Also called: Nemaline myopathy 2, autosomal recessive. Identifiers: MedGen C1850569, MONDO:0009725, OMIM 256030.

Allele frequency attached by ClinVar (database versions not stated): ExAC 0.00002; TOPMed below 0.00001; gnomAD exomes below 0.00001.
gnomAD v4.1: 2 of 1,604,770 alleles (0.00012%); highest among the groups gnomAD compares: Admixed American, 0.0034%; no homozygotes.

Submissions (2):

Revvity Omics, Revvity
Classification: Uncertain significance. Last evaluated: 2024-01-30. Review status: criteria provided, single submitter. Criteria: ACMG Guidelines, 2015. Collection method: clinical testing. Allele origin: germline.

Labcorp Genetics (formerly Invitae), Labcorp
Classification: Uncertain significance for Nemaline myopathy 2. Last evaluated: 2021-08-26. Review status: criteria provided, single submitter. Criteria: Invitae Variant Classification Sherloc (09022015). Collection method: clinical testing. Allele origin: germline.
Comment: This sequence change replaces aspartic acid with glycine at codon 2496 of the NEB protein (p.Asp2496Gly). The aspartic acid residue is moderately conserved and there is a moderate physicochemical difference between aspartic acid and glycine. The frequency data for this variant in the population databases is considered unreliable, as metrics indicate poor data quality at this position in the ExAC database. This variant has not been reported in the literature in individuals affected with NEB-related conditions. Algorithms developed to predict the effect of missense changes on protein structure and function are either unavailable or do not agree on the potential impact of this missense change (SIFT: "Deleterious"; PolyPhen-2: "Not Available"; Align-GVGD: "Class C0"). Algorithms developed to predict the effect of sequence changes on RNA splicing suggest that this variant may create or strengthen a splice site. In summary, the available evidence is currently insufficient to determine the role of this variant in disease. Therefore, it has been classified as a Variant of Uncertain Significance.

NM_001164508.2(NEB):c.7487A>G (p.Asp2496Gly)

Gene: NEB (nebulin; minus strand). Cytogenetic location: 2q23.3.
Variant type: single nucleotide variant.
Coding change: c.7487A>G on transcript NM_001164508.2 (MANE Select); coding-DNA position 7487, A replaced by G.
Protein change: p.Asp2496Gly; replaces aspartic acid 2496 with glycine.
Molecular consequence: missense variant.
Genome position (GRCh38, 1-based): chr2:151,646,179, T>C on the plus strand (A>G on the coding strand, the complement: NEB is on the minus strand). VCF-style: chr2-151646179-T-C. GRCh37 (hg19) VCF-style: chr2-152502693-T-C.
Other names: c.7487A>G, p.Asp2496Gly (NM_001164507.2, NM_001271208.2, NM_004543.5); short protein forms D2496G.
Identifiers: ClinVar variation 839811 (VCV000839811.7), dbSNP rs767734665, ClinGen allele CA1909839.
Genomic context (GRCh38, chr2:151,646,179, plus strand): 5'-TGAAAACTTACATCACTTGTGTTGATTAAGTTTGCTTTAGCCAGAACAATGTCAGGTGTA[T>C]CAGGCATGATGTGGATCTGAGTCTTGTCTTTGTCCCAAGCTTCTCTATAAAGTCTCTAAA-3'
Protein context (NP_001157980.2, residues 2486-2506): KDKTQIHIMP[Asp2496Gly]TPDIVLAKAN